The following is an entry in ClinVar:

NM_172351.3(CD46):c.28C>T (p.Pro10Ser)

Genes: CD46 (CD46 molecule; plus strand), LOC129932405 (ATAC-STARR-seq lymphoblastoid active region 2449; plus strand). Cytogenetic location: 1q32.2.
Variant type: single nucleotide variant.
Coding change: c.28C>T on transcript NM_172351.3 (MANE Select); coding-DNA position 28, C replaced by T.
Protein change: p.Pro10Ser; replaces proline 10 with serine.
Molecular consequence: missense variant.
Genome position (GRCh38, 1-based): chr1:207,752,240, C>T. VCF-style: chr1-207752240-C-T. GRCh37 (hg19) VCF-style: chr1-207925585-C-T.
Other names: c.28C>T, p.Pro10Ser (NM_002389.4, NM_153826.4, NM_172350.3 and 8 more transcripts); short protein forms P10S.
Identifiers: ClinVar variation 4291232 (VCV004291232.1).

ClinVar aggregate classification (germline): Uncertain significance (1 of 4 stars; one submission).

Conditions:
Atypical hemolytic-uremic syndrome. Identifiers: Orphanet 2134, MedGen C2931788, MONDO:0016244.

Submission:

Genomenon, Inc
Classification: Uncertain significance for Atypical hemolytic-uremic syndrome. Last evaluated: 2025-10-02. Review status: criteria provided, single submitter. Criteria: Genomenon Sequence Variant Interpretation Standards. Collection method: curation. Allele origin: germline. Affected: no.
Comment: CD46 p.Pro10Ser (c.28C>T) is a missense variant that changes the amino acid at residue 10 from Proline to Serine. This variant has been reported in the published literature (PMID:36211394). It is absent or not present at a significant frequency in gnomAD. In silico models agree that this variant is not damaging. In conclusion, we classify CD46 p.Pro10Ser (c.28C>T) as a variant of uncertain significance.

Literature cited by the submitters: PubMed 36211394.